The following is an entry in ClinVar:

ClinVar aggregate classification (germline): Uncertain significance. Review status: criteria provided, multiple submitters, no conflicts (2 of 4 stars). 2 submissions from 2 submitters: Uncertain significance (2). Last evaluated 2023-12-12.

Allele frequency attached by ClinVar (database versions not stated): gnomAD exomes below 0.00001.
gnomAD v4.1: 6 of 1,612,360 alleles (0.00037%); highest among the groups gnomAD compares: Non-Finnish European, 0.00051%; no homozygotes.

Submissions (2):

Blueprint Genetics
Classification: Uncertain significance. Last evaluated: 2023-12-12. Review status: criteria provided, single submitter. Criteria: ACMG Guidelines, 2015. Collection method: clinical testing. Allele origin: germline.

Labcorp Genetics (formerly Invitae), Labcorp
Classification: Uncertain significance. Last evaluated: 2022-05-21. Review status: criteria provided, single submitter. Criteria: Invitae Variant Classification Sherloc (09022015). Collection method: clinical testing. Allele origin: germline.
Comment: This sequence change replaces glutamine, which is neutral and polar, with histidine, which is basic and polar, at codon 475 of the COL11A2 protein (p.Gln475His). This variant is not present in population databases (gnomAD no frequency). This variant has not been reported in the literature in individuals affected with COL11A2-related conditions. Advanced modeling of protein sequence and biophysical properties (such as structural, functional, and spatial information, amino acid conservation, physicochemical variation, residue mobility, and thermodynamic stability) performed at Invitae indicates that this missense variant is not expected to disrupt COL11A2 protein function. In summary, the available evidence is currently insufficient to determine the role of this variant in disease. Therefore, it has been classified as a Variant of Uncertain Significance.

NM_080680.3(COL11A2):c.1425G>C (p.Gln475His)

Gene: COL11A2 (collagen type XI alpha 2 chain; minus strand). Cytogenetic location: 6p21.32.
Variant type: single nucleotide variant.
Coding change: c.1425G>C on transcript NM_080680.3 (MANE Select); coding-DNA position 1425, G replaced by C.
Protein change: p.Gln475His; replaces glutamine 475 with histidine.
Molecular consequence: missense variant.
Genome position (GRCh38, 1-based): chr6:33,179,740, C>G on the plus strand (G>C on the coding strand, the complement: COL11A2 is on the minus strand). VCF-style: chr6-33179740-C-G. GRCh37 (hg19) VCF-style: chr6-33147517-C-G.
Other names: c.1104G>C, p.Gln368His (NM_080679.3); c.1167G>C, p.Gln389His (NM_080681.3); short protein forms Q368H, Q389H, Q475H.
Identifiers: ClinVar variation 2174666 (VCV002174666.2), dbSNP rs1482045805, ClinGen allele CA363605963.
Genomic context (GRCh38, chr6:33,179,740, plus strand): 5'-CCCAGAGCCTTCCCTTTCCAGGGAAGCAGCCCCACTCACCCTCGCCTGCTGCAGGATCGC[C>G]TGGGCCTGAGCCTCCTGGGCCGCCACCACAGGGCCCTTGTCACCCCCACCACTGCCAAAC-3'
Protein context (NP_542411.2, residues 465-485): PVVAAQEAQA[Gln475His]AILQQARLAL